The following is an entry in ClinVar:

NM_002337.4(LRPAP1):c.750T>C (p.Ala250=)

Gene: LRPAP1 (LDL receptor related protein associated protein 1; minus strand). Cytogenetic location: 4p16.3.
Variant type: single nucleotide variant.
Coding change: c.750T>C on transcript NM_002337.4 (MANE Select); coding-DNA position 750, T replaced by C.
Protein change: p.Ala250=; no amino-acid change (alanine 250 retained).
Molecular consequence: synonymous variant. On other transcripts: non-coding transcript variant (1).
Genome position (GRCh38, 1-based): chr4:3,518,035, A>G on the plus strand (T>C on the coding strand, the complement: LRPAP1 is on the minus strand). VCF-style: chr4-3518035-A-G. GRCh37 (hg19) VCF-style: chr4-3519762-A-G.
Identifiers: ClinVar variation 3059677 (VCV003059677.2), dbSNP rs13325, ClinGen allele CA2829869.

ClinVar aggregate classification (germline): Benign (0 of 4 stars; one submission).

Conditions:
LRPAP1-related disorder. Also called: LRPAP1-related condition.

Allele frequency attached by ClinVar (database versions not stated): 1000 Genomes Project 0.09824; 1000 Genomes Project 30x 0.10322; ExAC 0.13423; gnomAD 0.14686; gnomAD exomes 0.15238; TOPMed 0.15273; ESP Exome Variant Server 0.16585.
gnomAD v4.1: 243,240 of 1,601,412 alleles (15%); highest among the groups gnomAD compares: Middle Eastern, 23%; 19,842 homozygotes.

Submission:

PreventionGenetics, part of Exact Sciences
Classification: Benign for LRPAP1-related condition. Last evaluated: 2019-04-30. Review status: no assertion criteria provided. Collection method: clinical testing. Allele origin: germline.
Comment: This variant is classified as benign based on ACMG/AMP sequence variant interpretation guidelines (Richards et al. 2015 PMID: 25741868, with internal and published modifications).